The following is an entry in ClinVar:

ClinVar aggregate classification (germline): Conflicting classifications of pathogenicity. Review status: criteria provided, conflicting classifications (1 of 4 stars). 4 submissions from 4 submitters: Uncertain significance (3); Likely benign (1). Last evaluated 2025-08-05.

Conditions:
Renal cell carcinoma. Identifiers: Orphanet 217071, MedGen C0007134, MeSH D002292, MONDO:0005086, HP:0005584.
Hereditary cancer-predisposing syndrome. Also called: Hereditary Cancer Syndrome; Hereditary neoplastic syndrome; Neoplastic Syndromes, Hereditary; Tumor predisposition. Identifiers: Orphanet 140162, MedGen C0027672, MeSH D009386, MONDO:0015356.

Allele frequency attached by ClinVar (database versions not stated): TOPMed below 0.00001.
gnomAD v4.1: 16 of 1,614,104 alleles (0.00099%); highest among the groups gnomAD compares: Non-Finnish European, 0.0014%; no homozygotes.

Submissions (4):

Labcorp Genetics (formerly Invitae), Labcorp
Classification: Uncertain significance for Renal cell carcinoma. Last evaluated: 2025-08-05. Review status: criteria provided, single submitter. Criteria: Invitae Variant Classification Sherloc (09022015). Collection method: clinical testing. Allele origin: germline.
Comment: This sequence change replaces threonine, which is neutral and polar, with isoleucine, which is neutral and non-polar, at codon 474 of the MET protein (p.Thr474Ile). This variant is not present in population databases (gnomAD no frequency). This variant has not been reported in the literature in individuals affected with MET-related conditions. ClinVar contains an entry for this variant (Variation ID: 454187). An algorithm developed to predict the effect of missense changes on protein structure and function (PolyPhen-2) suggests that this variant is likely to be tolerated. In summary, the available evidence is currently insufficient to determine the role of this variant in disease. Therefore, it has been classified as a Variant of Uncertain Significance.

Ambry Genetics
Classification: Likely benign for Hereditary cancer-predisposing syndrome. Last evaluated: 2024-03-26. Review status: criteria provided, single submitter. Criteria: Ambry Variant Classification Scheme 2023. Collection method: clinical testing. Allele origin: germline.

Sema4
Classification: Uncertain significance for Hereditary cancer-predisposing syndrome. Last evaluated: 2021-05-18. Review status: criteria provided, single submitter. Criteria: Sema4 Curation Guidelines. Collection method: curation. Allele origin: germline.
Comment: The MET c.1421C>T (p.T474I) variant has not been reported in the literature to our knowledge. It was not observed in the Genome Aggregation Database (PMID: 32461654). The variant has been reported in ClinVar (Variation ID: 454187). In silico tools suggest the impact of the variant on protein function is inconclusive, though these predictions have not been confirmed by functional studies. The evidence is insufficient to meet ACMG/AMP criteria for classifying the variant as benign or pathogenic. Thus, the clinical significance of this variant is currently uncertain.

GeneDx
Classification: Uncertain significance. Last evaluated: 2019-04-22. Review status: criteria provided, single submitter. Criteria: GeneDx Variant Classification Process June 2021. Collection method: clinical testing. Allele origin: germline. Affected: yes.
Comment: Not observed in large population cohorts (Lek et al., 2016); Has not been previously published as pathogenic or benign to our knowledge

NM_000245.4(MET):c.1421C>T (p.Thr474Ile)

Gene: MET (MET proto-oncogene, receptor tyrosine kinase; plus strand). Cytogenetic location: 7q31.2.
Variant type: single nucleotide variant.
Coding change: c.1421C>T on transcript NM_000245.4 (MANE Select); coding-DNA position 1421, C replaced by T.
Protein change: p.Thr474Ile; replaces threonine 474 with isoleucine.
Molecular consequence: missense variant.
Genome position (GRCh38, 1-based): chr7:116,739,978, C>T. VCF-style: chr7-116739978-C-T. GRCh37 (hg19) VCF-style: chr7-116380032-C-T.
Other names: c.1421C>T, p.Thr474Ile (NM_001127500.3, NM_001324401.3); c.131C>T, p.Thr44Ile (NM_001324402.2); short protein forms T474I, T44I.
Identifiers: ClinVar variation 454187 (VCV000454187.13), dbSNP rs1554390902, ClinGen allele CA368974058.